The following is an entry in ClinVar:

ClinVar aggregate classification (germline): Likely benign (1 of 4 stars; one submission).

Allele frequency attached by ClinVar (database versions not stated): gnomAD 0.00007; gnomAD exomes 0.00010; 1000 Genomes Project 30x 0.00016; TOPMed 0.00003; ExAC 0.00023.
gnomAD v4.1: 156 of 1,614,252 alleles (0.0097%); highest among the groups gnomAD compares: South Asian, 0.15%; 1 homozygote.

Submission:

CeGaT Center for Human Genetics Tuebingen
Classification: Likely benign. Last evaluated: 2022-05-01. Review status: criteria provided, single submitter. Criteria: CeGaT Center For Human Genetics Tuebingen Variant Classification Criteria Version 2. Collection method: clinical testing. Allele origin: germline. Affected: yes. Observed: 1 variant allele.
Comment: HPDL: BP4

NM_032756.4(HPDL):c.995C>T (p.Thr332Ile)

Gene: HPDL (4-hydroxyphenylpyruvate dioxygenase like; plus strand). Cytogenetic location: 1p34.1.
Variant type: single nucleotide variant.
Coding change: c.995C>T on transcript NM_032756.4 (MANE Select); coding-DNA position 995, C replaced by T.
Protein change: p.Thr332Ile; replaces threonine 332 with isoleucine.
Molecular consequence: missense variant.
Genome position (GRCh38, 1-based): chr1:45,328,143, C>T. VCF-style: chr1-45328143-C-T. GRCh37 (hg19) VCF-style: chr1-45793815-C-T.
Other names: short protein forms T332I.
Identifiers: ClinVar variation 2638789 (VCV002638789.24), dbSNP rs369195593, ClinGen allele CA826378.